The following is an entry in ClinVar:

ClinVar aggregate classification (germline): Likely benign. Review status: criteria provided, multiple submitters, no conflicts (2 of 4 stars). 5 submissions from 5 submitters: Likely benign (4). 1 of the submissions does not count toward it. Last evaluated 2025-10-22.

Conditions:
NOTCH3-related disorder. Also called: NOTCH3-related condition; NOTCH3-related disorders.

Allele frequency attached by ClinVar (database versions not stated): TOPMed 0.00003; gnomAD 0.00006; ExAC 0.00007; gnomAD exomes 0.00007 and 0.00014; ESP Exome Variant Server 0.00008.
gnomAD v4.1: 205 of 1,610,242 alleles (0.013%); highest among the groups gnomAD compares: Non-Finnish European, 0.017%; no homozygotes.

Submissions (5):

Mayo Clinic Laboratories, Mayo Clinic
Classification: Likely benign. Last evaluated: 2025-10-22. Review status: criteria provided, single submitter. Criteria: ACMG Guidelines, 2015. Collection method: clinical testing. Allele origin: germline. Observed: 1 variant allele.
Comment: BP4, BP7

Blueprint Genetics
Classification: Likely benign. Last evaluated: 2024-01-11. Review status: criteria provided, single submitter. Criteria: ACMG Guidelines, 2015. Collection method: clinical testing. Allele origin: germline.

CeGaT Center for Human Genetics Tuebingen
Classification: Likely benign. Last evaluated: 2023-10-01. Review status: criteria provided, single submitter. Criteria: CeGaT Center For Human Genetics Tuebingen Variant Classification Criteria Version 2. Collection method: clinical testing. Allele origin: germline. Affected: yes. Observed: 1 variant allele.
Comment: NOTCH3: BP4, BP7

ARUP Laboratories, Molecular Genetics and Genomics, ARUP Laboratories
Classification: Likely benign. Last evaluated: 2019-02-17. Review status: criteria provided, single submitter. Criteria: ARUP Molecular Germline Variant Investigation Process. Collection method: clinical testing. Allele origin: germline.

PreventionGenetics, part of Exact Sciences
Classification: Likely benign for NOTCH3-related condition. Last evaluated: 2019-03-29. Review status: no assertion criteria provided. Collection method: clinical testing. Allele origin: germline. Not counted in ClinVar's aggregate classification.
Comment: This variant is classified as likely benign based on ACMG/AMP sequence variant interpretation guidelines (Richards et al. 2015 PMID: 25741868, with internal and published modifications).

NM_000435.3(NOTCH3):c.2070A>G (p.Pro690=)

Gene: NOTCH3 (notch receptor 3; minus strand). Cytogenetic location: 19p13.12.
Variant type: single nucleotide variant.
Coding change: c.2070A>G on transcript NM_000435.3 (MANE Select); coding-DNA position 2070, A replaced by G.
Protein change: p.Pro690=; no amino-acid change (proline 690 retained).
Molecular consequence: synonymous variant.
Genome position (GRCh38, 1-based): chr19:15,185,561, T>C on the plus strand (A>G on the coding strand, the complement: NOTCH3 is on the minus strand). VCF-style: chr19-15185561-T-C. GRCh37 (hg19) VCF-style: chr19-15296372-T-C.
Other names: p.Pro690=; c.2070A>G (NM_000435.2).
Identifiers: ClinVar variation 811740 (VCV000811740.35), dbSNP rs370780913, ClinGen allele CA9263453.